The following is an entry in ClinVar:

NM_002519.3(NPAT):c.2897G>C (p.Arg966Pro)

Gene: NPAT (nuclear protein, coactivator of histone transcription; minus strand). Cytogenetic location: 11q22.3.
Variant type: single nucleotide variant.
Coding change: c.2897G>C on transcript NM_002519.3 (MANE Select); coding-DNA position 2897, G replaced by C.
Protein change: p.Arg966Pro; replaces arginine 966 with proline.
Molecular consequence: missense variant.
Genome position (GRCh38, 1-based): chr11:108,169,932, C>G on the plus strand (G>C on the coding strand, the complement: NPAT is on the minus strand). VCF-style: chr11-108169932-C-G. GRCh37 (hg19) VCF-style: chr11-108040659-C-G.
Other names: c.2897G>C, p.Arg966Pro (NM_001321307.1); short protein forms R966P.
Identifiers: ClinVar variation 1797366 (VCV001797366.2), dbSNP rs201165741, ClinGen allele CA6263711.
Genomic context (GRCh38, chr11:108,169,932, plus strand): 5'-TAATTACACTAAGCTTGAAAAGCATCACCACACCATTTTCAGTTCATAAATCTTACCTGC[C>G]GAGGAGGAGTAGAAAAGTTATTTCCATTCTGTCCAACCACAGATACTGGGATCATCCCTA-3'
Protein context (NP_002510.2, residues 956-976): QNGNNFSTPP[Arg966Pro]QVLHMPLTAP

ClinVar aggregate classification (germline): Uncertain significance (1 of 4 stars; one submission).

gnomAD v4.1: 21 of 1,612,672 alleles (0.0013%); highest among the groups gnomAD compares: South Asian, 0.02%; no homozygotes.

Submission:

Ambry Genetics
Classification: Uncertain significance. Last evaluated: 2021-11-09. Review status: criteria provided, single submitter. Criteria: Ambry Variant Classification Scheme 2023. Collection method: clinical testing. Allele origin: germline.
Comment: The p.R966P variant (also known as c.2897G>C), located in coding exon 14 of the NPAT gene, results from a G to C substitution at nucleotide position 2897. The arginine at codon 966 is replaced by proline, an amino acid with dissimilar properties. This amino acid position is conserved. In addition, this alteration is predicted to be tolerated by in silico analysis. Since supporting evidence is limited at this time, the clinical significance of this alteration remains unclear.